The following is an entry in ClinVar:

ClinVar aggregate classification (germline): Uncertain significance (1 of 4 stars; one submission).

Submission:

GeneDx
Classification: Uncertain significance. Last evaluated: 2024-11-27. Review status: criteria provided, single submitter. Criteria: GeneDx Variant Classification Process June 2021. Collection method: clinical testing. Allele origin: germline. Affected: yes.
Comment: Not observed at significant frequency in large population cohorts (gnomAD); In silico analysis supports that this missense variant has a deleterious effect on protein structure/function; Has not been previously published as pathogenic or benign to our knowledge

NM_198880.3(QRICH1):c.934C>G (p.Pro312Ala)

Gene: QRICH1 (glutamine rich 1; minus strand). Cytogenetic location: 3p21.31.
Variant type: single nucleotide variant.
Coding change: c.934C>G on transcript NM_198880.3 (MANE Select); coding-DNA position 934, C replaced by G.
Protein change: p.Pro312Ala; replaces proline 312 with alanine.
Molecular consequence: missense variant.
Genome position (GRCh38, 1-based): chr3:49,057,266, G>C on the plus strand (C>G on the coding strand, the complement: QRICH1 is on the minus strand). VCF-style: chr3-49057266-G-C. GRCh37 (hg19) VCF-style: chr3-49094699-G-C.
Other names: c.934C>G, p.Pro312Ala (NM_001320580.2, NM_001320581.2, NM_001320582.2 and 4 more transcripts); short protein forms P312A.
Identifiers: ClinVar variation 3900881 (VCV003900881.1).
Genomic context (GRCh38, chr3:49,057,266, plus strand): 5'-TGGCAATGTGGGTAATGCTCTGCTGCTGAGGGTCCCCCCGGGGCTGGGCAGAATAAACAG[G>C]GATGGTCCAGGTTTCTCCTGTAGGGCTAGTAATGGTCCCAGTGGCACTGTACAGGTGGGC-3'
Protein context (NP_942581.1, residues 302-322): TSPTGETWTI[Pro312Ala]VYSAQPRGDP